The following is an entry in ClinVar:

NM_144596.4(TTC8):c.1074dup (p.Asn359Ter)

Gene: TTC8 (tetratricopeptide repeat domain 8; plus strand). Cytogenetic location: 14q31.3.
Variant type: Duplication.
Coding change: c.1074dup on transcript NM_144596.4 (MANE Select); coding-DNA position 1074, one base duplicated (T; older notation c.1074dupT).
Protein change: p.Asn359Ter; replaces asparagine 359 with a stop codon.
Molecular consequence: nonsense. On other transcripts: non-coding transcript variant (1).
Genome position (GRCh38, 1-based): chr14:88,871,573, T duplicated. VCF-style (leftmost placement, unchanged base first): chr14-88871572-A-AT. GRCh37 (hg19) VCF-style: chr14-89337916-A-AT.
Other names: c.1122dup, p.Asn375Ter (NM_001288781.1); c.480dup, p.Asn161Ter (NM_001288782.1); c.357dup, p.Asn120Ter (NM_001288783.1); c.1044dup, p.Asn349Ter (NM_001366535.2, NM_198309.3); c.954dup, p.Asn319Ter (NM_001366536.2, NM_198310.3); short protein forms N359*, N375*, N120*, N319*, N349*, N161*.
Identifiers: ClinVar variation 5005356 (VCV005005356.2).

ClinVar aggregate classification (germline): Likely pathogenic (1 of 4 stars; one submission).

Conditions:
Retinitis pigmentosa 51 (RP51). Identifiers: Orphanet 791, MedGen C3150715, MONDO:0013274, OMIM 613464.
Bardet-Biedl syndrome 8 (BBS8). Identifiers: Orphanet 110, MedGen C1859566, MONDO:0014436, OMIM 615985.

Submission:

Juno Genomics, Hangzhou Juno Genomics, Inc
Classification: Likely pathogenic for Retinitis pigmentosa 51; Bardet-Biedl syndrome 8. Review status: criteria provided, single submitter. Criteria: ACMG Guidelines, 2015. Collection method: clinical testing. Allele origin: germline.
Comment: Null variant in a gene where loss of function (LOF) is a known mechanism of disease.;Absent from controls (or at extremely low frequency if recessive) in Genome Aggregation Database.